The following is an entry in ClinVar:

NM_021625.5(TRPV4):c.1391G>A (p.Arg464His)

Gene: TRPV4 (transient receptor potential cation channel subfamily V member 4; minus strand). Cytogenetic location: 12q24.11.
Variant type: single nucleotide variant.
Coding change: c.1391G>A on transcript NM_021625.5 (MANE Select); coding-DNA position 1391, G replaced by A.
Protein change: p.Arg464His; replaces arginine 464 with histidine.
Molecular consequence: missense variant.
Genome position (GRCh38, 1-based): chr12:109,794,429, C>T on the plus strand (G>A on the coding strand, the complement: TRPV4 is on the minus strand). VCF-style: chr12-109794429-C-T. GRCh37 (hg19) VCF-style: chr12-110232234-C-T.
Other names: c.1250G>A, p.Arg417His (NM_001177428.2); c.1289G>A, p.Arg430His (NM_001177431.2); c.1070G>A, p.Arg357His (NM_001177433.2); c.1211G>A, p.Arg404His (NM_147204.3); short protein forms R417H, R464H, R357H, R404H, R430H.
Identifiers: ClinVar variation 1509744 (VCV001509744.8), dbSNP rs758206734, ClinGen allele CA6780253.

ClinVar aggregate classification (germline): Uncertain significance (1 of 4 stars; one submission).

Conditions:
Charcot-Marie-Tooth disease axonal type 2C (HMSN2C). Also called: Charcot-Marie-Tooth Disease Type 2, TRPV4-Related (CMT2C); CHARCOT-MARIE-TOOTH DISEASE, AXONAL, AUTOSOMAL DOMINANT, TYPE 2C; Charcot-Marie-Tooth Neuropathy Type 2C. Identifiers: Orphanet 99937, MedGen C1853710, MONDO:0011633, OMIM 606071.

Allele frequency attached by ClinVar (database versions not stated): TOPMed 0.00001; ExAC 0.00002.
gnomAD v4.1: 11 of 1,614,054 alleles (0.00068%); highest among the groups gnomAD compares: Non-Finnish European, 0.00042%; no homozygotes.

Submission:

Labcorp Genetics (formerly Invitae), Labcorp
Classification: Uncertain significance for Charcot-Marie-Tooth disease axonal type 2C. Last evaluated: 2025-08-07. Review status: criteria provided, single submitter. Criteria: Invitae Variant Classification Sherloc (09022015). Collection method: clinical testing. Allele origin: germline.
Comment: This sequence change replaces arginine, which is basic and polar, with histidine, which is basic and polar, at codon 464 of the TRPV4 protein (p.Arg464His). This variant is present in population databases (rs758206734, gnomAD 0.01%). This variant has not been reported in the literature in individuals affected with TRPV4-related conditions. ClinVar contains an entry for this variant (Variation ID: 1509744). Invitae Evidence Modeling of protein sequence and biophysical properties (such as structural, functional, and spatial information, amino acid conservation, physicochemical variation, residue mobility, and thermodynamic stability) indicates that this missense variant is not expected to disrupt TRPV4 protein function with a negative predictive value of 95%. In summary, the available evidence is currently insufficient to determine the role of this variant in disease. Therefore, it has been classified as a Variant of Uncertain Significance.